The following is an entry in ClinVar:

ClinVar aggregate classification (germline): Uncertain significance. Review status: criteria provided, single submitter (1 of 4 stars). 2 submissions from 2 submitters: Uncertain significance (1). 1 of the submissions does not count toward it. Last evaluated 2019-12-09.

Conditions:
TTN-related disorder. Also called: TTN-related condition; TTN-related disease; TTN-related disorders.

gnomAD v4.1: 1 of 1,613,262 alleles (0.000062%); no homozygotes.

Submissions (2):

Revvity Omics, Revvity
Classification: Uncertain significance. Last evaluated: 2019-12-09. Review status: criteria provided, single submitter. Criteria: ACMG Guidelines, 2015. Collection method: clinical testing. Allele origin: germline.

PreventionGenetics, part of Exact Sciences
Classification: Uncertain significance for TTN-related condition. Last evaluated: 2024-08-21. Review status: no assertion criteria provided. Collection method: clinical testing. Allele origin: germline. Not counted in ClinVar's aggregate classification.
Comment: The TTN c.1870G>C variant is predicted to result in the amino acid substitution p.Asp624His. To our knowledge, this variant has not been reported in the literature or in a large population database, indicating this variant is rare. At this time, the clinical significance of this variant is uncertain due to the absence of conclusive functional and genetic evidence.

NM_001267550.2(TTN):c.1870G>C (p.Asp624His)

Gene: TTN (titin; minus strand). Cytogenetic location: 2q31.2.
Variant type: single nucleotide variant.
Coding change: c.1870G>C on transcript NM_001267550.2 (MANE Select); coding-DNA position 1870, G replaced by C.
Protein change: p.Asp624His; replaces aspartic acid 624 with histidine.
Molecular consequence: missense variant.
Genome position (GRCh38, 1-based): chr2:178,790,046, C>G on the plus strand (G>C on the coding strand, the complement: TTN is on the minus strand). VCF-style: chr2-178790046-C-G. GRCh37 (hg19) VCF-style: chr2-179654773-C-G.
Other names: c.1870G>C, p.Asp624His (NM_001256850.1, NM_133378.4, NM_133379.5); c.1732G>C, p.Asp578His (NM_003319.4, NM_133432.3, NM_133437.4); short protein forms D578H, D624H.
Identifiers: ClinVar variation 2437454 (VCV002437454.4), dbSNP rs2533774453, ClinGen allele CA349506882.